The following is an entry in ClinVar:

ClinVar aggregate classification (germline): Uncertain significance. Review status: criteria provided, multiple submitters, no conflicts (2 of 4 stars). 2 submissions from 2 submitters: Uncertain significance (2). Last evaluated 2022-12-13.

Conditions:
Argininosuccinate lyase deficiency. Also called: ARGININOSUCCINIC ACID LYASE DEFICIENCY; ASL DEFICIENCY; Argininosuccinic aciduria. Identifiers: Orphanet 23, MedGen C0268547, MONDO:0008815, OMIM 207900, HP:0025630.
Inborn genetic diseases. Identifiers: MedGen C0950123, MeSH D030342.

Allele frequency attached by ClinVar (database versions not stated): ExAC 0.00001; gnomAD exomes 0.00001; TOPMed 0.00003; gnomAD 0.00005.

Submissions (2):

Ambry Genetics
Classification: Uncertain significance for Inborn genetic diseases. Last evaluated: 2022-12-13. Review status: criteria provided, single submitter. Criteria: Ambry Variant Classification Scheme 2023. Collection method: clinical testing. Allele origin: germline.

Labcorp Genetics (formerly Invitae), Labcorp
Classification: Uncertain significance for Argininosuccinate lyase deficiency. Last evaluated: 2022-03-19. Review status: criteria provided, single submitter. Criteria: Invitae Variant Classification Sherloc (09022015). Collection method: clinical testing. Allele origin: germline.
Comment: This sequence change replaces glycine, which is neutral and non-polar, with arginine, which is basic and polar, at codon 392 of the ASL protein (p.Gly392Arg). This variant is present in population databases (rs768775570, gnomAD 0.006%). This variant has not been reported in the literature in individuals affected with ASL-related conditions. Advanced modeling of protein sequence and biophysical properties (such as structural, functional, and spatial information, amino acid conservation, physicochemical variation, residue mobility, and thermodynamic stability) performed at Invitae indicates that this missense variant is expected to disrupt ASL protein function. In summary, the available evidence is currently insufficient to determine the role of this variant in disease. Therefore, it has been classified as a Variant of Uncertain Significance.

NM_000048.4(ASL):c.1174G>A (p.Gly392Arg)

Gene: ASL (argininosuccinate lyase; plus strand). Cytogenetic location: 7q11.21.
Variant type: single nucleotide variant.
Coding change: c.1174G>A on transcript NM_000048.4 (MANE Select); coding-DNA position 1174, G replaced by A.
Protein change: p.Gly392Arg; replaces glycine 392 with arginine.
Molecular consequence: missense variant.
Genome position (GRCh38, 1-based): chr7:66,092,587, G>A. VCF-style: chr7-66092587-G-A. GRCh37 (hg19) VCF-style: chr7-65557574-G-A.
Other names: c.1174G>A, p.Gly392Arg (NM_001024943.2); c.1114G>A, p.Gly372Arg (NM_001024944.2); c.1096G>A, p.Gly366Arg (NM_001024946.2); c.1174G>A (NM_000048.3); short protein forms G372R, G392R, G366R.
Identifiers: ClinVar variation 2167526 (VCV002167526.2), dbSNP rs768775570, ClinGen allele CA4277333.